The following is an entry in ClinVar:

ClinVar aggregate classification (germline): Uncertain significance (1 of 4 stars; one submission).

Conditions:
Bartter disease type 1. Also called: HYPERPROSTAGLANDIN E SYNDROME 1; Bartter syndrome, type 1, antenatal; HYPOKALEMIC ALKALOSIS WITH HYPERCALCIURIA 1, ANTENATAL; Bartter Syndrome type 1. Identifiers: Orphanet 112, Orphanet 620217, MedGen C1866495, MONDO:0100344, OMIM 601678, MONDO:0011127.

Submission:

Baylor Genetics
Classification: Uncertain significance for Bartter disease type 1. Last evaluated: 2019-07-27. Review status: criteria provided, single submitter. Criteria: ACMG Guidelines, 2015. Collection method: clinical testing. Allele origin: unknown. Affected: yes.
Comment: This variant was determined to be of uncertain significance according to ACMG Guidelines, 2015 [PMID:25741868].

NM_000338.3(SLC12A1):c.1300+5G>A

Gene: SLC12A1 (solute carrier family 12 member 1; plus strand). Cytogenetic location: 15q21.1.
Variant type: single nucleotide variant.
Coding change: c.1300+5G>A on transcript NM_000338.3 (MANE Select); 5 bases into the intron after coding-DNA position 1300, G replaced by A.
Molecular consequence: intron variant.
Genome position (GRCh38, 1-based): chr15:48,241,604, G>A. VCF-style: chr15-48241604-G-A. GRCh37 (hg19) VCF-style: chr15-48533801-G-A.
Other names: c.1300+5G>A (NM_001384136.1, NM_001184832.2).
Identifiers: ClinVar variation 1028202 (VCV001028202.1), dbSNP rs894215559, ClinGen allele CA2175409191.
Genomic context (GRCh38, chr15:48,241,604, plus strand): 5'-CATGCTGGCCATTTTCATCACCACTGTTGCCTACTTAGGGGTTGCAATTTGTGTAGGTAA[G>A]TGGTACGTCTCCAGTGTCAGAATGTCAGAATTACGAGGGGTCCAGTTGTTCACGTCTAGT-3'